The following is an entry in ClinVar:

NM_031475.3(ESPN):c.338G>A (p.Arg113His)

Gene: ESPN (espin; plus strand). Cytogenetic location: 1p36.31.
Variant type: single nucleotide variant.
Coding change: c.338G>A on transcript NM_031475.3 (MANE Select); coding-DNA position 338, G replaced by A.
Protein change: p.Arg113His; replaces arginine 113 with histidine.
Molecular consequence: missense variant.
Genome position (GRCh38, 1-based): chr1:6,428,269, G>A. VCF-style: chr1-6428269-G-A. GRCh37 (hg19) VCF-style: chr1-6488329-G-A.
Other names: c.338G>A, p.Arg113His (NM_001367473.1, NM_001367474.1); short protein forms R113H.
Identifiers: ClinVar variation 1254240 (VCV001254240.11), dbSNP rs367832657, ClinGen allele CA559862.
Genomic context (GRCh38, chr1:6,428,269, plus strand): 5'-CAGCTCTCCTCCCACAGGACAAAGACAATTCTGGTGCCACAGTCTTGCATCTGGCTGCCC[G>A]CTTCGGCCACCCCGAGGTGGTGAACTGGCTCTTGCATCATGGCGGTGGGGACCCCACCGC-3'
Protein context (NP_113663.2, residues 103-123): SGATVLHLAA[Arg113His]FGHPEVVNWL

ClinVar aggregate classification (germline): Uncertain significance. Review status: criteria provided, multiple submitters, no conflicts (2 of 4 stars). 6 submissions from 6 submitters: Uncertain significance (5). 1 of the submissions does not count toward it. Last evaluated 2025-10-03.

Conditions:
Inborn genetic diseases. Identifiers: MedGen C0950123, MeSH D030342.
Retinal dystrophy. Also called: Inherited retinal dystrophy. Identifiers: Orphanet 71862, MedGen C0854723, MeSH D058499, MONDO:0019118, HP:0000556.
ESPN-related disorder. Also called: ESPN-related condition.

Allele frequency attached by ClinVar (database versions not stated): gnomAD 0.00006; TOPMed 0.00008; ESP Exome Variant Server 0.00015; ExAC 0.00017.
gnomAD v4.1: 136 of 1,613,524 alleles (0.0084%); highest among the groups gnomAD compares: Non-Finnish European, 0.01%; no homozygotes.

Submissions (6):

PreventionGenetics, part of Exact Sciences
Classification: Uncertain significance for ESPN-related condition. Last evaluated: 2025-10-03. Review status: criteria provided, single submitter. Criteria: ACMG Guidelines, 2015. Collection method: clinical testing. Allele origin: germline.
Comment: The ESPN c.338G>A variant is predicted to result in the amino acid substitution p.Arg113His. To our knowledge, this variant has not been reported in the literature. This variant is reported in 0.023% of alleles in individuals of European (Non-Finnish) descent in gnomAD. At this time, the clinical significance of this variant is uncertain due to the absence of conclusive functional and genetic evidence.

Labcorp Genetics (formerly Invitae), Labcorp
Classification: Uncertain significance. Last evaluated: 2025-01-06. Review status: criteria provided, single submitter. Criteria: Invitae Variant Classification Sherloc (09022015). Collection method: clinical testing. Allele origin: germline.
Comment: This sequence change replaces arginine, which is basic and polar, with histidine, which is basic and polar, at codon 113 of the ESPN protein (p.Arg113His). This variant is present in population databases (rs367832657, gnomAD 0.02%). This variant has not been reported in the literature in individuals affected with ESPN-related conditions. ClinVar contains an entry for this variant (Variation ID: 1254240). An algorithm developed to predict the effect of missense changes on protein structure and function (PolyPhen-2) suggests that this variant is likely to be disruptive. In summary, the available evidence is currently insufficient to determine the role of this variant in disease. Therefore, it has been classified as a Variant of Uncertain Significance.

Ambry Genetics
Classification: Uncertain significance for Inborn genetic diseases. Last evaluated: 2024-05-13. Review status: criteria provided, single submitter. Criteria: Ambry Variant Classification Scheme 2023. Collection method: clinical testing. Allele origin: germline.

Blueprint Genetics
Classification: Uncertain significance. Last evaluated: 2023-12-28. Review status: criteria provided, single submitter. Criteria: ACMG Guidelines, 2015. Collection method: clinical testing. Allele origin: germline.

GeneDx
Classification: Uncertain significance. Last evaluated: 2022-02-11. Review status: criteria provided, single submitter. Criteria: GeneDx Variant Classification Process June 2021. Collection method: clinical testing. Allele origin: germline. Affected: yes.
Comment: In silico analysis supports that this missense variant has a deleterious effect on protein structure/function; Has not been previously published as pathogenic or benign to our knowledge

Institute of Human Genetics, Univ. Regensburg, Univ. Regensburg
Classification: Uncertain significance for Retinal dystrophy. Last evaluated: 2023-01-01. Review status: no assertion criteria provided. Criteria: ACMG Guidelines, 2015. Collection method: clinical testing. Allele origin: germline. Affected: yes. Not counted in ClinVar's aggregate classification.